The following is an entry in ClinVar:

NM_006567.5(FARS2):c.167A>T (p.Lys56Ile)

Genes: FARS2 (phenylalanyl-tRNA synthetase 2, mitochondrial; plus strand), LOC126859565 (CDK7 strongly-dependent group 2 enhancer GRCh37_chr6:5368745-5369944; plus strand). Cytogenetic location: 6p25.1.
Variant type: single nucleotide variant.
Coding change: c.167A>T on transcript NM_006567.5 (MANE Select); coding-DNA position 167, A replaced by T.
Protein change: p.Lys56Ile; replaces lysine 56 with isoleucine.
Molecular consequence: missense variant. On other transcripts: intron variant (2).
Genome position (GRCh38, 1-based): chr6:5,368,737, A>T. VCF-style: chr6-5368737-A-T. GRCh37 (hg19) VCF-style: chr6-5368970-A-T.
Other names: c.167A>T, p.Lys56Ile (NM_001318872.2, NM_001374875.1, NM_001374876.1 and 5 more transcripts); c.-340-27896A>T (NM_001375260.1); c.-84-35805A>T (NM_001375259.1); short protein forms K56I.
Identifiers: ClinVar variation 3675180 (VCV003675180.2).

ClinVar aggregate classification (germline): Uncertain significance (1 of 4 stars; one submission).

Conditions:
Combined oxidative phosphorylation defect type 14. Also called: Combined oxidative phosphorylation deficiency 14. Identifiers: Orphanet 319519, MedGen C4755312, MONDO:0013986, OMIM 614946.

Submission:

Labcorp Genetics (formerly Invitae), Labcorp
Classification: Uncertain significance for Combined oxidative phosphorylation defect type 14. Last evaluated: 2024-07-19. Review status: criteria provided, single submitter. Criteria: Invitae Variant Classification Sherloc (09022015). Collection method: clinical testing. Allele origin: germline.
Comment: This sequence change replaces lysine, which is basic and polar, with isoleucine, which is neutral and non-polar, at codon 56 of the FARS2 protein (p.Lys56Ile). This variant is not present in population databases (gnomAD no frequency). This variant has not been reported in the literature in individuals affected with FARS2-related conditions. Advanced modeling of protein sequence and biophysical properties (such as structural, functional, and spatial information, amino acid conservation, physicochemical variation, residue mobility, and thermodynamic stability) has been performed at Invitae for this missense variant, however the output from this modeling did not meet the statistical confidence thresholds required to predict the impact of this variant on FARS2 protein function. In summary, the available evidence is currently insufficient to determine the role of this variant in disease. Therefore, it has been classified as a Variant of Uncertain Significance.